The following is an entry in ClinVar:

NM_000264.5(PTCH1):c.2853C>G (p.Asp951Glu)

Gene: PTCH1 (patched 1; minus strand). Cytogenetic location: 9q22.32.
Variant type: single nucleotide variant.
Coding change: c.2853C>G on transcript NM_000264.5 (MANE Select); coding-DNA position 2853, C replaced by G.
Protein change: p.Asp951Glu; replaces aspartic acid 951 with glutamic acid.
Molecular consequence: missense variant. On other transcripts: non-coding transcript variant (1).
Genome position (GRCh38, 1-based): chr9:95,459,634, G>C on the plus strand (C>G on the coding strand, the complement: PTCH1 is on the minus strand). VCF-style: chr9-95459634-G-C. GRCh37 (hg19) VCF-style: chr9-98221916-G-C.
Other names: c.2655C>G, p.Asp885Glu (NM_001083602.3); c.2850C>G, p.Asp950Glu (NM_001083603.3); c.2400C>G, p.Asp800Glu (NM_001083604.3, NM_001083605.3, NM_001083606.3 and 1 more transcripts); c.2697C>G, p.Asp899Glu (NM_001354918.2); short protein forms D899E, D950E, D800E, D885E, D951E.
Identifiers: ClinVar variation 2012924 (VCV002012924.5), dbSNP rs1839277894, ClinGen allele CA374112941.

ClinVar aggregate classification (germline): Uncertain significance. Review status: criteria provided, multiple submitters, no conflicts (2 of 4 stars). 2 submissions from 2 submitters: Uncertain significance (2). Last evaluated 2024-01-19.

Conditions:
Hereditary cancer-predisposing syndrome. Also called: Neoplastic Syndromes, Hereditary; Hereditary neoplastic syndrome; Tumor predisposition; Hereditary Cancer Syndrome. Identifiers: Orphanet 140162, MedGen C0027672, MeSH D009386, MONDO:0015356.
Gorlin syndrome. Also called: Nevoid Basal Cell Carcinoma Syndrome; Basal cell nevus syndrome. Identifiers: Orphanet 377, MedGen C0004779, MONDO:0007187.

Submissions (2):

Ambry Genetics
Classification: Uncertain significance for Hereditary cancer-predisposing syndrome. Last evaluated: 2024-01-19. Review status: criteria provided, single submitter. Criteria: Ambry Variant Classification Scheme 2023. Collection method: clinical testing. Allele origin: germline.
Comment: The p.D951E variant (also known as c.2853C>G), located in coding exon 17 of the PTCH1 gene, results from a C to G substitution at nucleotide position 2853. The aspartic acid at codon 951 is replaced by glutamic acid, an amino acid with highly similar properties. This amino acid position is conserved. In addition, the in silico prediction for this alteration is inconclusive. Based on the available evidence, the clinical significance of this alteration remains unclear.

Labcorp Genetics (formerly Invitae), Labcorp
Classification: Uncertain significance for Gorlin syndrome. Last evaluated: 2022-07-01. Review status: criteria provided, single submitter. Criteria: Invitae Variant Classification Sherloc (09022015). Collection method: clinical testing. Allele origin: germline.
Comment: In summary, the available evidence is currently insufficient to determine the role of this variant in disease. Therefore, it has been classified as a Variant of Uncertain Significance. Advanced modeling of protein sequence and biophysical properties (such as structural, functional, and spatial information, amino acid conservation, physicochemical variation, residue mobility, and thermodynamic stability) performed at Invitae indicates that this missense variant is not expected to disrupt PTCH1 protein function. This variant has not been reported in the literature in individuals affected with PTCH1-related conditions. This variant is not present in population databases (gnomAD no frequency). This sequence change replaces aspartic acid, which is acidic and polar, with glutamic acid, which is acidic and polar, at codon 951 of the PTCH1 protein (p.Asp951Glu).